The following is an entry in ClinVar:

NM_005475.3(SH2B3):c.371T>C (p.Leu124Pro)

Gene: SH2B3 (SH2B adaptor protein 3; plus strand). Cytogenetic location: 12q24.12.
Variant type: single nucleotide variant.
Coding change: c.371T>C on transcript NM_005475.3 (MANE Select); coding-DNA position 371, T replaced by C.
Protein change: p.Leu124Pro; replaces leucine 124 with proline.
Molecular consequence: missense variant.
Genome position (GRCh38, 1-based): chr12:111,418,516, T>C. VCF-style: chr12-111418516-T-C. GRCh37 (hg19) VCF-style: chr12-111856320-T-C.
Other names: short protein forms L124P.
Identifiers: ClinVar variation 3795226 (VCV003795226.1).

ClinVar aggregate classification (germline): Uncertain significance (1 of 4 stars; one submission).

Conditions:
Inborn genetic diseases. Identifiers: MedGen C0950123, MeSH D030342.

gnomAD v4.1: 3 of 1,386,284 alleles (0.00022%); highest among the groups gnomAD compares: African/African-American, 0.0015%; no homozygotes.

Submission:

Ambry Genetics
Classification: Uncertain significance for Inborn genetic diseases. Last evaluated: 2025-02-28. Review status: criteria provided, single submitter. Criteria: Ambry Variant Classification Scheme 2023. Collection method: clinical testing. Allele origin: germline.
Comment: The p.L124P variant (also known as c.371T>C), located in coding exon 1 of the SH2B3 gene, results from a T to C substitution at nucleotide position 371. The leucine at codon 124 is replaced by proline, an amino acid with similar properties. This amino acid position is conserved. In addition, this alteration is predicted to be tolerated by in silico analysis. Based on the available evidence, the clinical significance of this variant remains unclear.